The following is an entry in ClinVar:

ClinVar aggregate classification (germline): Likely benign. Review status: criteria provided, multiple submitters, no conflicts (2 of 4 stars). 2 submissions from 2 submitters: Likely benign (2). Last evaluated 2025-12-01.

Submissions (2):

CeGaT Center for Human Genetics Tuebingen
Classification: Likely benign. Last evaluated: 2025-12-01. Review status: criteria provided, single submitter. Criteria: CeGaT Center For Human Genetics Tuebingen Variant Classification Criteria Version 2. Collection method: clinical testing. Allele origin: germline. Affected: yes. Observed: 1 variant allele.
Comment: SIN3B: BP4, BP7

Laboratory of Genetics, Children's Clinical University Hospital Latvia
Classification: Likely benign. Last evaluated: 2025-02-16. Review status: criteria provided, single submitter. Criteria: ACMG Guidelines, 2015. Collection method: clinical testing. Allele origin: germline. Affected: yes.

NM_001297595.2(SIN3B):c.1134C>T (p.Ser378=)

Gene: SIN3B (SIN3 transcription regulator family member B; plus strand). Cytogenetic location: 19p13.11.
Variant type: single nucleotide variant.
Coding change: c.1134C>T on transcript NM_001297595.2 (MANE Select); coding-DNA position 1134, C replaced by T.
Protein change: p.Ser378=; no amino-acid change (serine 378 retained).
Molecular consequence: synonymous variant.
Genome position (GRCh38, 1-based): chr19:16,862,427, C>T. VCF-style: chr19-16862427-C-T. GRCh37 (hg19) VCF-style: chr19-16973238-C-T.
Other names: c.1134C>T, p.Ser378= (NM_015260.4).
Identifiers: ClinVar variation 3911379 (VCV003911379.6).
Genomic context (GRCh38, chr19:16,862,427, plus strand): 5'-CTTTGCACAGTTCAAGTCCTTCCTGGGGGTAAAAGAGCTGTCCTTCGCGCCACCCATGAG[C>T]GACAGATCCGGGGACGGGATAAGCCGGGAAATTGATTATGCATCCTGCAAGCGCATAGGA-3'
Protein context (NP_001284524.1, residues 368-388): VKELSFAPPM[Ser378=]DRSGDGISRE